The following is an entry in ClinVar:

NM_001470.4(GABBR1):c.2005C>T (p.Leu669Phe)

Gene: GABBR1 (gamma-aminobutyric acid type B receptor subunit 1; minus strand). Cytogenetic location: 6p22.1.
Variant type: single nucleotide variant.
Coding change: c.2005C>T on transcript NM_001470.4 (MANE Select); coding-DNA position 2005, C replaced by T.
Protein change: p.Leu669Phe; replaces leucine 669 with phenylalanine.
Molecular consequence: missense variant.
Genome position (GRCh38, 1-based): chr6:29,607,206, G>A on the plus strand (C>T on the coding strand, the complement: GABBR1 is on the minus strand). VCF-style: chr6-29607206-G-A. GRCh37 (hg19) VCF-style: chr6-29574983-G-A.
Other names: c.1474C>T, p.Leu492Phe (NM_001319053.2); c.1654C>T, p.Leu552Phe (NM_021903.3); c.1819C>T, p.Leu607Phe (NM_021904.4); short protein forms L492F, L552F, L607F, L669F.
Identifiers: ClinVar variation 4855923 (VCV004855923.1).

ClinVar aggregate classification (germline): Uncertain significance (1 of 4 stars; one submission).

Conditions:
Neurodevelopmental disorder with language delay and variable cognitive abnormalities (NEDLC). Identifiers: MedGen C5882689, MONDO:0957779, OMIM 620502.

Submission:

3billion
Classification: Uncertain significance for Neurodevelopmental disorder with language delay and variable cognitive abnormalities. Last evaluated: 2025-05-22. Review status: criteria provided, single submitter. Criteria: ACMG Guidelines, 2015. Collection method: clinical testing. Allele origin: germline. Affected: yes.
Comment: The variant is not observed in the gnomAD v4.1.0 dataset. Predicted Consequence/Location: Missense variant. Missense changes are a common disease-causing mechanism. In silico tool predictions suggest damaging effect of the variant on gene or gene product [REVEL: 0.74 (>=0.6, sensitivity 0.68 and specificity 0.92)]. Therefore, this variant is classified as VUS according to the recommendation of ACMG/AMP guideline.